The following is an entry in ClinVar:

ClinVar aggregate classification (germline): Benign/Likely benign. Review status: criteria provided, multiple submitters, no conflicts (2 of 4 stars). 2 submissions from 2 submitters: Benign (1); Likely benign (1). Last evaluated 2018-07-07.

Conditions:
Majeed syndrome (MJDS). Also called: CHRONIC RECURRENT MULTIFOCAL OSTEOMYELITIS 1, WITH CONGENITAL DYSERYTHROPOIETIC ANEMIA, WITH OR WITHOUT NEUTROPHILIC DERMATOSIS; LPIN2-Related Majeed Syndrome. Identifiers: Orphanet 77297, MedGen C1864997, MONDO:0012316, OMIM 609628.

Allele frequency attached by ClinVar (database versions not stated): gnomAD 0.00745 and 0.00793; 1000 Genomes Project 0.00839; TOPMed 0.00878; 1000 Genomes Project 30x 0.00937.

Submissions (2):

ARUP Laboratories, Molecular Genetics and Genomics, ARUP Laboratories
Classification: Likely benign for Majeed syndrome. Last evaluated: 2018-07-07. Review status: criteria provided, single submitter. Criteria: ARUP Molecular Germline Variant Investigation Process. Collection method: clinical testing. Allele origin: germline.

Illumina Laboratory Services, Illumina
Classification: Benign for Majeed syndrome. Last evaluated: 2018-01-12. Review status: criteria provided, single submitter. Criteria: ICSL Variant Classification Criteria 13 December 2019. Collection method: clinical testing. Allele origin: germline.
Comment: This variant was observed in the ICSL laboratory as part of a predisposition screen in an ostensibly healthy population. It had not been previously curated by ICSL or reported in the Human Gene Mutation Database (HGMD: prior to June 1st, 2018), and was therefore a candidate for classification through an automated scoring system. Utilizing variant allele frequency, disease prevalence and penetrance estimates, and inheritance mode, an automated score was calculated to assess if this variant is too frequent to cause the disease. Based on the score and internal cut-off values, a variant classified as benign is not then subjected to further curation. The score for this variant resulted in a classification of benign for this disease.

NM_001375808.2(LPIN2):c.-10+1313C>T

Gene: LPIN2 (lipin 2; minus strand). Cytogenetic location: 18p11.31.
Variant type: single nucleotide variant.
Coding change: c.-10+1313C>T on transcript NM_001375808.2 (MANE Select); 1313 bases into the intron after 10 bases upstream of the start codon, C replaced by T.
Molecular consequence: intron variant. On other transcripts: 5 prime UTR variant (1).
Genome position (GRCh38, 1-based): chr18:3,011,774, G>A on the plus strand (C>T on the coding strand, the complement: LPIN2 is on the minus strand). VCF-style: chr18-3011774-G-A. GRCh37 (hg19) VCF-style: chr18-3011772-G-A.
Other names: c.-66C>T (NM_014646.2); c.-10+1263C>T (NM_001375809.1).
Identifiers: ClinVar variation 326654 (VCV000326654.12), dbSNP rs116643915, ClinGen allele CA10641288.